The following is an entry in ClinVar:

ClinVar aggregate classification (germline): Uncertain significance (1 of 4 stars; one submission).

Submission:

Labcorp Genetics (formerly Invitae), Labcorp
Classification: Uncertain significance. Last evaluated: 2024-03-19. Review status: criteria provided, single submitter. Criteria: Invitae Variant Classification Sherloc (09022015). Collection method: clinical testing. Allele origin: germline.
Comment: This sequence change replaces alanine, which is neutral and non-polar, with threonine, which is neutral and polar, at codon 1913 of the ASPM protein (p.Ala1913Thr). This variant is not present in population databases (gnomAD no frequency). This variant has not been reported in the literature in individuals affected with ASPM-related conditions. Advanced modeling of protein sequence and biophysical properties (such as structural, functional, and spatial information, amino acid conservation, physicochemical variation, residue mobility, and thermodynamic stability) performed at Invitae indicates that this missense variant is not expected to disrupt ASPM protein function with a negative predictive value of 80%. In summary, the available evidence is currently insufficient to determine the role of this variant in disease. Therefore, it has been classified as a Variant of Uncertain Significance.

NM_018136.5(ASPM):c.5737G>A (p.Ala1913Thr)

Gene: ASPM (assembly factor for spindle microtubules; minus strand). Cytogenetic location: 1q31.3.
Variant type: single nucleotide variant.
Coding change: c.5737G>A on transcript NM_018136.5 (MANE Select); coding-DNA position 5737, G replaced by A.
Protein change: p.Ala1913Thr; replaces alanine 1913 with threonine.
Molecular consequence: missense variant. On other transcripts: intron variant (1).
Genome position (GRCh38, 1-based): chr1:197,103,514, C>T on the plus strand (G>A on the coding strand, the complement: ASPM is on the minus strand). VCF-style: chr1-197103514-C-T. GRCh37 (hg19) VCF-style: chr1-197072644-C-T.
Other names: c.4066-7350G>A (NM_001206846.2); short protein forms A1913T.
Identifiers: ClinVar variation 3632631 (VCV003632631.2).
Genomic context (GRCh38, chr1:197,103,514, plus strand): 5'-CTCTGAAATTTTGCTGGATGACTAATGCTGCTGTTTTAAACAATCTAAACTGTTTCTGGG[C>T]CTTGGCCATTCTAAAAGCAGACTGAATCTTCAAGGCAGCTTGATGTTCCCTTCTAATCTG-3'
Protein context (NP_060606.3, residues 1903-1923): KIQSAFRMAK[Ala1913Thr]QKQFRLFKTA